The following is an entry in ClinVar:

ClinVar aggregate classification (germline): Uncertain significance (1 of 4 stars; one submission).

Allele frequency attached by ClinVar (database versions not stated): gnomAD exomes below 0.00001; ExAC 0.00001; gnomAD 0.00001.
gnomAD v4.1: 3 of 1,614,062 alleles (0.00019%); highest among the groups gnomAD compares: South Asian, 0.0033%; no homozygotes.

Submission:

Ambry Genetics
Classification: Uncertain significance. Last evaluated: 2023-03-03. Review status: criteria provided, single submitter. Criteria: Ambry Variant Classification Scheme 2023. Collection method: clinical testing. Allele origin: germline.
Comment: The p.N118S variant (also known as c.353A>G), located in coding exon 4 of the RINT1 gene, results from an A to G substitution at nucleotide position 353. The asparagine at codon 118 is replaced by serine, an amino acid with highly similar properties. This amino acid position is conserved. In addition, this alteration is predicted to be tolerated by in silico analysis. Since supporting evidence is limited at this time, the clinical significance of this alteration remains unclear.

NM_021930.6(RINT1):c.353A>G (p.Asn118Ser)

Gene: RINT1 (RAD50 interactor 1; plus strand). Cytogenetic location: 7q22.3.
Variant type: single nucleotide variant.
Coding change: c.353A>G on transcript NM_021930.6 (MANE Select); coding-DNA position 353, A replaced by G.
Protein change: p.Asn118Ser; replaces asparagine 118 with serine.
Molecular consequence: missense variant. On other transcripts: 5 prime UTR variant (3), non-coding transcript variant (1).
Genome position (GRCh38, 1-based): chr7:105,542,487, A>G. VCF-style: chr7-105542487-A-G. GRCh37 (hg19) VCF-style: chr7-105182934-A-G.
Other names: c.119A>G, p.Asn40Ser (NM_001346599.2); c.-667A>G (NM_001346600.2); c.-570A>G (NM_001346601.2); c.-190A>G (NM_001346603.2); short protein forms N40S, N118S.
Identifiers: ClinVar variation 2448434 (VCV002448434.2), dbSNP rs778180822, ClinGen allele CA4426408.
Genomic context (GRCh38, chr7:105,542,487, plus strand): 5'-AAATTCCTAAAAGAATTCGAAGTGCCTTAAAAAATGCAGAAGAATCAAAGCAATTTCTTA[A>G]TCAGTTTCTGGAGCAGGAAACTCATCTCTTCAGCGCCATTAACAGCCATTTGCTGACTGC-3'
Protein context (NP_068749.3, residues 108-128): KNAEESKQFL[Asn118Ser]QFLEQETHLF